The following is an entry in ClinVar:

NM_000179.3(MSH6):c.3994T>G (p.Leu1332Val)

Gene: MSH6 (mutS homolog 6; plus strand). Cytogenetic location: 2p16.3.
Variant type: single nucleotide variant.
Coding change: c.3994T>G on transcript NM_000179.3 (MANE Select); coding-DNA position 3994, T replaced by G.
Protein change: p.Leu1332Val; replaces leucine 1332 with valine.
Molecular consequence: missense variant.
Genome position (GRCh38, 1-based): chr2:47,806,644, T>G. VCF-style: chr2-47806644-T-G. GRCh37 (hg19) VCF-style: chr2-48033783-T-G.
Other names: c.3604T>G, p.Leu1202Val (NM_001281492.2); c.3088T>G, p.Leu1030Val (NM_001281493.2, NM_001281494.2); short protein forms L1332V, L1030V, L1202V.
Identifiers: ClinVar variation 525683 (VCV000525683.9), dbSNP rs786204160, ClinGen allele CA346761595.

ClinVar aggregate classification (germline): Uncertain significance (1 of 4 stars; one submission).

Conditions:
Hereditary nonpolyposis colorectal neoplasms. Identifiers: MedGen C0009405, MeSH D003123.

Submission:

Labcorp Genetics (formerly Invitae), Labcorp
Classification: Uncertain significance for Hereditary nonpolyposis colorectal neoplasms. Last evaluated: 2023-03-18. Review status: criteria provided, single submitter. Criteria: Invitae Variant Classification Sherloc (09022015). Collection method: clinical testing. Allele origin: germline.
Comment: Advanced modeling of protein sequence and biophysical properties (such as structural, functional, and spatial information, amino acid conservation, physicochemical variation, residue mobility, and thermodynamic stability) performed at Invitae indicates that this missense variant is not expected to disrupt MSH6 protein function. This variant is not present in population databases (gnomAD no frequency). This variant has not been reported in the literature in individuals affected with MSH6-related conditions. ClinVar contains an entry for this variant (Variation ID: 525683). This sequence change replaces leucine, which is neutral and non-polar, with valine, which is neutral and non-polar, at codon 1332 of the MSH6 protein (p.Leu1332Val). In summary, the available evidence is currently insufficient to determine the role of this variant in disease. Therefore, it has been classified as a Variant of Uncertain Significance.